The following is an entry in ClinVar:

NM_015158.5(KANK1):c.3374T>C (p.Val1125Ala)

Genes: KANK1 (KN motif and ankyrin repeat domains 1; plus strand), LOC126860554 (MED14-independent group 3 enhancer GRCh37_chr9:737889-739088; plus strand). Cytogenetic location: 9p24.3.
Variant type: single nucleotide variant.
Coding change: c.3374T>C on transcript NM_015158.5 (MANE Select); coding-DNA position 3374, T replaced by C.
Protein change: p.Val1125Ala; replaces valine 1125 with alanine.
Molecular consequence: missense variant. On other transcripts: non-coding transcript variant (1).
Genome position (GRCh38, 1-based): chr9:738,325, T>C. VCF-style: chr9-738325-T-C. GRCh37 (hg19) VCF-style: chr9-738325-T-C.
Other names: c.3374T>C, p.Val1125Ala (NM_001256876.3, NM_001256877.3, NM_001354334.2); c.3134T>C, p.Val1045Ala (NM_001354331.2); c.3320T>C, p.Val1107Ala (NM_001354332.2); c.2900T>C, p.Val967Ala (NM_001354333.2, NM_001354335.2, NM_001354337.2 and 2 more transcripts); c.2606T>C, p.Val869Ala (NM_001354336.2); c.2846T>C, p.Val949Ala (NM_001354338.2, NM_001354340.2, NM_001354344.2); c.2660T>C, p.Val887Ala (NM_001354339.2, NM_001354342.2, NM_001354343.2); c.3374T>C (NM_015158.2); short protein forms V1045A, V869A, V887A, V967A, V1107A, V1125A, V949A.
Identifiers: ClinVar variation 1497475 (VCV001497475.9), dbSNP rs759097146, ClinGen allele CA4960932.

ClinVar aggregate classification (germline): Conflicting classifications of pathogenicity. Review status: criteria provided, conflicting classifications (1 of 4 stars). 2 submissions from 2 submitters: Uncertain significance (1); Likely benign (1). Last evaluated 2025-01-07.

Allele frequency attached by ClinVar (database versions not stated): gnomAD 0.00001; gnomAD exomes 0.00001 and 0.00002; TOPMed 0.00002; ExAC 0.00003.
gnomAD v4.1: 22 of 1,613,988 alleles (0.0014%); highest among the groups gnomAD compares: Middle Eastern, 0.066%; no homozygotes.

Submissions (2):

Ambry Genetics
Classification: Likely benign. Last evaluated: 2025-01-07. Review status: criteria provided, single submitter. Criteria: Ambry Variant Classification Scheme 2023. Collection method: clinical testing. Allele origin: germline.

Labcorp Genetics (formerly Invitae), Labcorp
Classification: Uncertain significance. Last evaluated: 2024-09-04. Review status: criteria provided, single submitter. Criteria: Invitae Variant Classification Sherloc (09022015). Collection method: clinical testing. Allele origin: germline.
Comment: This sequence change replaces valine, which is neutral and non-polar, with alanine, which is neutral and non-polar, at codon 1125 of the KANK1 protein (p.Val1125Ala). This variant is present in population databases (rs759097146, gnomAD 0.004%). This variant has not been reported in the literature in individuals affected with KANK1-related conditions. ClinVar contains an entry for this variant (Variation ID: 1497475). Invitae Evidence Modeling of protein sequence and biophysical properties (such as structural, functional, and spatial information, amino acid conservation, physicochemical variation, residue mobility, and thermodynamic stability) has been performed for this missense variant. However, the output from this modeling did not meet the statistical confidence thresholds required to predict the impact of this variant on KANK1 protein function. In summary, the available evidence is currently insufficient to determine the role of this variant in disease. Therefore, it has been classified as a Variant of Uncertain Significance.